The following is an entry in ClinVar:

NM_021254.4(CFAP298):c.652G>A (p.Ala218Thr)

Genes: CFAP298 (cilia and flagella associated protein 298; minus strand), CFAP298-TCP10L (CFAP298-TCP10L readthrough; minus strand). Cytogenetic location: 21q22.11.
Variant type: single nucleotide variant.
Coding change: c.652G>A on transcript NM_021254.4 (MANE Select); coding-DNA position 652, G replaced by A.
Protein change: p.Ala218Thr; replaces alanine 218 with threonine.
Molecular consequence: missense variant. On other transcripts: non-coding transcript variant (2).
Genome position (GRCh38, 1-based): chr21:32,603,175, C>T on the plus strand (G>A on the coding strand, the complement: CFAP298 is on the minus strand). VCF-style: chr21-32603175-C-T. GRCh37 (hg19) VCF-style: chr21-33975485-C-T.
Other names: c.652G>A, p.Ala218Thr (NM_001350338.2, NM_001350335.2, NM_001350336.2 and 1 more transcripts); c.355G>A, p.Ala119Thr (NM_001350334.2); short protein forms A218T, A119T.
Identifiers: ClinVar variation 1399758 (VCV001399758.6), dbSNP rs771639961, ClinGen allele CA10002785.

ClinVar aggregate classification (germline): Uncertain significance (1 of 4 stars; one submission).

Allele frequency attached by ClinVar (database versions not stated): gnomAD 0.00001 and 0.00002; gnomAD exomes 0.00001; ExAC 0.00002.
gnomAD v4.1: 21 of 1,614,048 alleles (0.0013%); highest among the groups gnomAD compares: African/African-American, 0.0027%; no homozygotes.

Submission:

Labcorp Genetics (formerly Invitae), Labcorp
Classification: Uncertain significance. Last evaluated: 2021-04-21. Review status: criteria provided, single submitter. Criteria: Invitae Variant Classification Sherloc (09022015). Collection method: clinical testing. Allele origin: germline.
Comment: In summary, the available evidence is currently insufficient to determine the role of this variant in disease. Therefore, it has been classified as a Variant of Uncertain Significance. Algorithms developed to predict the effect of missense changes on protein structure and function (SIFT, PolyPhen-2, Align-GVGD) all suggest that this variant is likely to be tolerated, but these predictions have not been confirmed by published functional studies and their clinical significance is uncertain. This variant has not been reported in the literature in individuals with CFAP298-related conditions. The frequency data for this variant in the population databases is considered unreliable, as metrics indicate poor data quality at this position in the ExAC database. This sequence change replaces alanine with threonine at codon 218 of the CFAP298 protein (p.Ala218Thr). The alanine residue is weakly conserved and there is a small physicochemical difference between alanine and threonine.